The following is an entry in ClinVar:

ClinVar aggregate classification (germline): Uncertain significance (1 of 4 stars; one submission).

Conditions:
C2orf69-related disorder. Also called: C2orf69-related condition.

gnomAD v4.1: 17 of 1,547,188 alleles (0.0011%); highest among the groups gnomAD compares: Admixed American, 0.03%; no homozygotes.

Submission:

PreventionGenetics, part of Exact Sciences
Classification: Uncertain significance for C2orf69-related condition. Last evaluated: 2026-06-18. Review status: criteria provided, single submitter. Criteria: ACMG Guidelines, 2015. Collection method: clinical testing. Allele origin: germline.
Comment: The C2orf69 c.50C>G variant is predicted to result in the amino acid substitution p.Pro17Arg. To our knowledge, this variant has not been reported in the literature. This variant is reported in 0.049% of alleles in individuals of Latino descent in gnomAD. At this time, the clinical significance of this variant is uncertain due to the absence of conclusive functional and genetic evidence.

NM_153689.6(C2orf69):c.50C>G (p.Pro17Arg)

Genes: C2orf69 (chromosome 2 open reading frame 69; plus strand), LOC129935377 (ATAC-STARR-seq lymphoblastoid active region 16950; plus strand). Cytogenetic location: 2q33.1.
Variant type: single nucleotide variant.
Coding change: c.50C>G on transcript NM_153689.6 (MANE Select); coding-DNA position 50, C replaced by G.
Protein change: p.Pro17Arg; replaces proline 17 with arginine.
Molecular consequence: missense variant.
Genome position (GRCh38, 1-based): chr2:199,911,488, C>G. VCF-style: chr2-199911488-C-G. GRCh37 (hg19) VCF-style: chr2-200776211-C-G.
Other names: short protein forms P17R.
Identifiers: ClinVar variation 4977125 (VCV004977125.1).